The following is an entry in ClinVar:

NM_001046.3(SLC12A2):c.235A>C (p.Ser79Arg)

Genes: SLC12A2 (solute carrier family 12 member 2; plus strand), LOC129994526 (ATAC-STARR-seq lymphoblastoid silent region 16295; plus strand). Cytogenetic location: 5q23.3.
Variant type: single nucleotide variant.
Coding change: c.235A>C on transcript NM_001046.3 (MANE Select); coding-DNA position 235, A replaced by C.
Protein change: p.Ser79Arg; replaces serine 79 with arginine.
Molecular consequence: missense variant. On other transcripts: non-coding transcript variant (1).
Genome position (GRCh38, 1-based): chr5:128,084,189, A>C. VCF-style: chr5-128084189-A-C. GRCh37 (hg19) VCF-style: chr5-127419881-A-C.
Other names: c.235A>C (NM_001046.2); c.235A>C, p.Ser79Arg (NM_001256461.2); short protein forms S79R.
Identifiers: ClinVar variation 1510335 (VCV001510335.11), dbSNP rs557916029, ClinGen allele CA3392751.

ClinVar aggregate classification (germline): Uncertain significance. Review status: criteria provided, multiple submitters, no conflicts (2 of 4 stars). 4 submissions from 4 submitters: Uncertain significance (4). Last evaluated 2025-12-15.

Conditions:
Hearing loss, autosomal dominant 78. Also called: DEAFNESS, AUTOSOMAL DOMINANT 78. Identifiers: MedGen C5436768, MONDO:0033665, OMIM 619081.
Delpire-McNeill syndrome. Also called: SLC12A2-related autosomal dominant infantile-developmental delay-intellectual disability-sensorineural deafness syndrome. Identifiers: Orphanet 633024, MedGen C5436771, MONDO:0033667, OMIM 619083.
Kilquist syndrome (KILQS). Also called: SLC12A2-related autosomal recessive neonatal-developmental delay-intellectual disability-feeding difficulty-sensorineural deafness syndrome. Identifiers: Orphanet 633021, MedGen C5436756, MONDO:0033664, OMIM 619080.
Inborn genetic diseases. Identifiers: MedGen C0950123, MeSH D030342.

Allele frequency attached by ClinVar (database versions not stated): gnomAD exomes 0.00010; 1000 Genomes Project 0.00020; TOPMed 0.00023; gnomAD 0.00014 and 0.00015; 1000 Genomes Project 30x 0.00047.
gnomAD v4.1: 139 of 1,292,132 alleles (0.011%); highest among the groups gnomAD compares: Admixed American, 0.037%; no homozygotes.

Submissions (4):

Labcorp Genetics (formerly Invitae), Labcorp
Classification: Uncertain significance. Last evaluated: 2025-12-15. Review status: criteria provided, single submitter. Criteria: Invitae Variant Classification Sherloc (09022015). Collection method: clinical testing. Allele origin: germline.
Comment: This sequence change replaces serine, which is neutral and polar, with arginine, which is basic and polar, at codon 79 of the SLC12A2 protein (p.Ser79Arg). This variant is present in population databases (rs557916029, gnomAD 0.06%). This variant has not been reported in the literature in individuals affected with SLC12A2-related conditions. ClinVar contains an entry for this variant (Variation ID: 1510335). Invitae Evidence Modeling of protein sequence and biophysical properties (such as structural, functional, and spatial information, amino acid conservation, physicochemical variation, residue mobility, and thermodynamic stability) indicates that this missense variant is not expected to disrupt SLC12A2 protein function with a negative predictive value of 95%. In summary, the available evidence is currently insufficient to determine the role of this variant in disease. Therefore, it has been classified as a Variant of Uncertain Significance.

GeneDx
Classification: Uncertain significance. Last evaluated: 2024-05-17. Review status: criteria provided, single submitter. Criteria: GeneDx Variant Classification Process June 2021. Collection method: clinical testing. Allele origin: germline. Affected: yes.
Comment: In silico analysis indicates that this missense variant does not alter protein structure/function; Has not been previously published as pathogenic or benign to our knowledge

Fulgent Genetics
Classification: Uncertain significance for Kilquist syndrome; Hearing loss, autosomal dominant 78; Delpire-McNeill syndrome. Last evaluated: 2022-03-30. Review status: criteria provided, single submitter. Criteria: ACMG Guidelines, 2015. Collection method: clinical testing. Allele origin: unknown.

Ambry Genetics
Classification: Uncertain significance for Inborn genetic diseases. Last evaluated: 2022-03-21. Review status: criteria provided, single submitter. Criteria: Ambry Variant Classification Scheme 2023. Collection method: clinical testing. Allele origin: germline.